The following is an entry in ClinVar:

NM_001006658.3(CR2):c.2144C>T (p.Pro715Leu)

Gene: CR2 (complement C3d receptor 2; plus strand). Cytogenetic location: 1q32.2.
Variant type: single nucleotide variant.
Coding change: c.2144C>T on transcript NM_001006658.3 (MANE Select); coding-DNA position 2144, C replaced by T.
Protein change: p.Pro715Leu; replaces proline 715 with leucine.
Molecular consequence: missense variant. On other transcripts: intron variant (1).
Genome position (GRCh38, 1-based): chr1:207,473,710, C>T. VCF-style: chr1-207473710-C-T. GRCh37 (hg19) VCF-style: chr1-207647055-C-T.
Other names: c.2144C>T (NM_001006658.2); c.1979-91C>T (NM_001877.5); short protein forms P715L.
Identifiers: ClinVar variation 1494476 (VCV001494476.9), dbSNP rs751072066, ClinGen allele CA1368886.

ClinVar aggregate classification (germline): Uncertain significance. Review status: criteria provided, multiple submitters, no conflicts (2 of 4 stars). 4 submissions from 4 submitters: Uncertain significance (3). 1 of the submissions does not count toward it. Last evaluated 2023-04-11.

Conditions:
Inborn genetic diseases. Identifiers: MedGen C0950123, MeSH D030342.
CR2-related disorder. Also called: CR2-related disorders; CR2-related condition.
Immunodeficiency, common variable, 7. Identifiers: Orphanet 1572, Orphanet 696894, MedGen C3542922, MONDO:0013862, OMIM 614699.

Allele frequency attached by ClinVar (database versions not stated): gnomAD exomes below 0.00001 and 0.00001; ExAC 0.00001; gnomAD 0.00003 and 0.00004; TOPMed 0.00003.
gnomAD v4.1: 11 of 1,613,854 alleles (0.00068%); highest among the groups gnomAD compares: East Asian, 0.011%; no homozygotes.

Submissions (4):

Genome-Nilou Lab
Classification: Uncertain significance for Immunodeficiency, common variable, 7. Last evaluated: 2023-04-11. Review status: criteria provided, single submitter. Criteria: ACMG Guidelines, 2015. Collection method: clinical testing. Allele origin: germline. Affected: no.

Labcorp Genetics (formerly Invitae), Labcorp
Classification: Uncertain significance for Immunodeficiency, common variable, 7. Last evaluated: 2022-08-10. Review status: criteria provided, single submitter. Criteria: Invitae Variant Classification Sherloc (09022015). Collection method: clinical testing. Allele origin: germline.
Comment: In summary, the available evidence is currently insufficient to determine the role of this variant in disease. Therefore, it has been classified as a Variant of Uncertain Significance. Algorithms developed to predict the effect of missense changes on protein structure and function output the following: SIFT: "Tolerated"; PolyPhen-2: "Possibly Damaging"; Align-GVGD: "Class C0". The leucine amino acid residue is found in multiple mammalian species, which suggests that this missense change does not adversely affect protein function. ClinVar contains an entry for this variant (Variation ID: 1494476). This variant has not been reported in the literature in individuals affected with CR2-related conditions. This variant is present in population databases (rs751072066, gnomAD 0.008%). This sequence change replaces proline, which is neutral and non-polar, with leucine, which is neutral and non-polar, at codon 715 of the CR2 protein (p.Pro715Leu).

Ambry Genetics
Classification: Uncertain significance for Inborn genetic diseases. Last evaluated: 2022-02-10. Review status: criteria provided, single submitter. Criteria: Ambry Variant Classification Scheme 2023. Collection method: clinical testing. Allele origin: germline.

PreventionGenetics, part of Exact Sciences
Classification: Uncertain significance for CR2-related condition. Last evaluated: 2024-09-11. Review status: no assertion criteria provided. Collection method: clinical testing. Allele origin: germline. Not counted in ClinVar's aggregate classification.
Comment: The CR2 c.2144C>T variant is predicted to result in the amino acid substitution p.Pro715Leu. To our knowledge, this variant has not been reported in the literature. This variant is reported in 0.0080% of alleles in individuals of African descent in gnomAD. At this time, the clinical significance of this variant is uncertain due to the absence of conclusive functional and genetic evidence.